The following is an entry in ClinVar:

ClinVar aggregate classification (germline): Uncertain significance (1 of 4 stars; one submission).

Submission:

GeneDx
Classification: Uncertain significance. Last evaluated: 2025-06-08. Review status: criteria provided, single submitter. Criteria: GeneDx Variant Classification Process June 2021. Collection method: clinical testing. Allele origin: germline. Affected: yes.
Comment: Has not been previously published as pathogenic or benign to our knowledge; Not observed at significant frequency in large population cohorts (gnomAD); In silico analysis suggests that this missense variant does not alter protein structure/function

NM_031407.7(HUWE1):c.10981C>T (p.Leu3661Phe)

Gene: HUWE1 (HECT, UBA and WWE domain containing E3 ubiquitin protein ligase 1; minus strand). Cytogenetic location: Xp11.22.
Variant type: single nucleotide variant.
Coding change: c.10981C>T on transcript NM_031407.7 (MANE Select); coding-DNA position 10981, C replaced by T.
Protein change: p.Leu3661Phe; replaces leucine 3661 with phenylalanine.
Molecular consequence: missense variant.
Genome position (GRCh38, 1-based): chrX:53,545,096, G>A on the plus strand (C>T on the coding strand, the complement: HUWE1 is on the minus strand). VCF-style: chrX-53545096-G-A. GRCh37 (hg19) VCF-style: chrX-53572057-G-A.
Other names: c.10981C>T, p.Leu3661Phe (NM_001441057.1, NM_001441054.1, NM_001441049.1); c.10978C>T, p.Leu3660Phe (NM_001441058.1, NM_001441056.1, NM_001441048.1 and 2 more transcripts); c.11002C>T, p.Leu3668Phe (NM_001441055.1, NM_001441050.1); c.10579C>T, p.Leu3527Phe (NM_001441052.1); short protein forms L3527F, L3660F, L3661F, L3668F.
Identifiers: ClinVar variation 4536205 (VCV004536205.1).